The following is an entry in ClinVar:

ClinVar aggregate classification (germline): Uncertain significance (1 of 4 stars; one submission).

gnomAD v4.1: 4 of 1,613,386 alleles (0.00025%); highest among the groups gnomAD compares: African/African-American, 0.004%; no homozygotes.

Submission:

GeneDx
Classification: Uncertain significance. Last evaluated: 2024-10-07. Review status: criteria provided, single submitter. Criteria: GeneDx Variant Classification Process June 2021. Collection method: clinical testing. Allele origin: germline. Affected: yes.
Comment: Has not been previously published as pathogenic or benign to our knowledge; Not observed at significant frequency in large population cohorts (gnomAD); Missense variant in a gene in which most reported pathogenic variants are truncating/loss of function

NM_001267550.2(TTN):c.76288A>G (p.Ile25430Val)

Genes: TTN (titin; minus strand), TTN-AS1 (TTN antisense RNA 1; plus strand). Cytogenetic location: 2q31.2.
Variant type: single nucleotide variant.
Coding change: c.76288A>G on transcript NM_001267550.2 (MANE Select); coding-DNA position 76288, A replaced by G.
Protein change: p.Ile25430Val; replaces isoleucine 25430 with valine.
Molecular consequence: missense variant.
Genome position (GRCh38, 1-based): chr2:178,569,844, T>C on the plus strand (A>G on the coding strand, the complement: TTN is on the minus strand). VCF-style: chr2-178569844-T-C. GRCh37 (hg19) VCF-style: chr2-179434571-T-C.
Other names: c.71365A>G, p.Ile23789Val (NM_001256850.1); c.49093A>G, p.Ile16365Val (NM_003319.4); c.68584A>G, p.Ile22862Val (NM_133378.4); c.49468A>G, p.Ile16490Val (NM_133432.3); c.49669A>G, p.Ile16557Val (NM_133437.4); short protein forms I16365V, I16490V, I16557V, I22862V, I23789V, I25430V.
Identifiers: ClinVar variation 3776640 (VCV003776640.1).